The following is an entry in ClinVar:

ClinVar aggregate classification (germline): Uncertain significance (1 of 4 stars; one submission).

Conditions:
Malignant hyperthermia, susceptibility to, 1 (MHS1). Also called: RYR1-Related Malignant Hyperthermia Susceptibility; Malignant hyperthermia suceptibility 1; Anesthesia related hyperthermia; Malignant hyperpyrexia; Fulminating hyperpyrexia; Pharmacogenic myopathy. Identifiers: Orphanet 423, MedGen C2930980, MONDO:0007783, OMIM 145600.

gnomAD v4.1: 1 of 1,614,198 alleles (0.000062%); highest among the groups gnomAD compares: Non-Finnish European, 0.000085%; no homozygotes.

Submission:

Color Diagnostics, LLC DBA Color Health
Classification: Uncertain significance for Malignant hyperthermia, susceptibility to, 1. Last evaluated: 2025-08-25. Review status: criteria provided, single submitter. Criteria: ACMG Guidelines, 2015. Collection method: clinical testing. Allele origin: germline.
Comment: This missense variant replaces leucine with phenylalanine at codon 2678 of the RYR1 protein. Computational prediction suggests that this variant may have deleterious impact on protein structure and function. To our knowledge, functional studies have not been reported for this variant. This variant has not been reported in individuals affected with RYR1-related disorders in the literature. This variant has not been identified in the general population by the Genome Aggregation Database (gnomAD). The available evidence is insufficient to determine the role of this variant in disease conclusively. Therefore, this variant is classified as a Variant of Uncertain Significance.

NM_000540.3(RYR1):c.8032C>T (p.Leu2678Phe)

Gene: RYR1 (ryanodine receptor 1; plus strand). Cytogenetic location: 19q13.2.
Variant type: single nucleotide variant.
Coding change: c.8032C>T on transcript NM_000540.3 (MANE Select); coding-DNA position 8032, C replaced by T.
Protein change: p.Leu2678Phe; replaces leucine 2678 with phenylalanine.
Molecular consequence: missense variant.
Genome position (GRCh38, 1-based): chr19:38,504,325, C>T. VCF-style: chr19-38504325-C-T. GRCh37 (hg19) VCF-style: chr19-38994965-C-T.
Other names: c.8032C>T, p.Leu2678Phe (NM_001042723.2); short protein forms L2678F.
Identifiers: ClinVar variation 4757768 (VCV004757768.1).